The following is an entry in ClinVar:

NM_004380.3(CREBBP):c.4804C>A (p.Arg1602Ser)

Gene: CREBBP (CREB binding lysine acetyltransferase; minus strand). Cytogenetic location: 16p13.3.
Variant type: single nucleotide variant.
Coding change: c.4804C>A on transcript NM_004380.3 (MANE Select); coding-DNA position 4804, C replaced by A.
Protein change: p.Arg1602Ser; replaces arginine 1602 with serine.
Molecular consequence: missense variant.
Genome position (GRCh38, 1-based): chr16:3,731,862, G>T on the plus strand (C>A on the coding strand, the complement: CREBBP is on the minus strand). VCF-style: chr16-3731862-G-T. GRCh37 (hg19) VCF-style: chr16-3781863-G-T.
Other names: c.4690C>A, p.Arg1564Ser (NM_001079846.1); short protein forms R1564S, R1602S.
Identifiers: ClinVar variation 1683620 (VCV001683620.2), dbSNP rs2151319330, ClinGen allele CA394559977.

ClinVar aggregate classification (germline): Uncertain significance (1 of 4 stars; one submission).

Conditions:
Rubinstein-Taybi syndrome due to CREBBP mutations (RSTS1). Also called: Rubinstein-Taybi syndrome 1; RUBINSTEIN-TAYBI SYNDROME 1, INCOMPLETE; RUBINSTEIN SYNDROME; CREBBP-Related Rubinstein-Taybi Syndrome; BROAD THUMBS AND GREAT TOES, CHARACTERISTIC FACIES, AND IMPAIRED INTELLECTUAL DEVELOPMENT; BROAD THUMB-HALLUX SYNDROME. Identifiers: Orphanet 353277, Orphanet 783, MedGen C4551859, MONDO:0008393, OMIM 180849.

Submission:

Laboratorio de Genetica e Diagnostico Molecular, Hospital Israelita Albert Einstein
Classification: Uncertain significance for Rubinstein-Taybi syndrome due to CREBBP mutations. Last evaluated: 2021-04-08. Review status: criteria provided, single submitter. Criteria: ACMG Guidelines, 2015. Collection method: clinical testing. Allele origin: germline. Affected: yes.
Comment: ACMG classification criteria: PM2, PP2, PP3